The following is an entry in ClinVar:

NM_006904.7(PRKDC):c.8090G>A (p.Gly2697Glu)

Gene: PRKDC (protein kinase, DNA-activated, catalytic subunit; minus strand). Cytogenetic location: 8q11.21.
Variant type: single nucleotide variant.
Coding change: c.8090G>A on transcript NM_006904.7 (MANE Select); coding-DNA position 8090, G replaced by A.
Protein change: p.Gly2697Glu; replaces glycine 2697 with glutamic acid.
Molecular consequence: missense variant.
Genome position (GRCh38, 1-based): chr8:47,834,258, C>T on the plus strand (G>A on the coding strand, the complement: PRKDC is on the minus strand). VCF-style: chr8-47834258-C-T. GRCh37 (hg19) VCF-style: chr8-48746819-C-T.
Other names: c.8090G>A, p.Gly2697Glu (NM_001081640.2); short protein forms G2697E.
Identifiers: ClinVar variation 1761952 (VCV001761952.2), dbSNP rs2551867065, ClinGen allele CA371149405.

ClinVar aggregate classification (germline): Uncertain significance (1 of 4 stars; one submission).

Submission:

Ambry Genetics
Classification: Uncertain significance. Last evaluated: 2022-02-04. Review status: criteria provided, single submitter. Criteria: Ambry Variant Classification Scheme 2023. Collection method: clinical testing. Allele origin: germline.
Comment: The p.G2697E variant (also known as c.8090G>A), located in coding exon 59 of the PRKDC gene, results from a G to A substitution at nucleotide position 8090. The glycine at codon 2697 is replaced by glutamic acid, an amino acid with similar properties. This amino acid position is conserved. Since supporting evidence is limited at this time, the clinical significance of this alteration remains unclear.